The following is an entry in ClinVar:

ClinVar aggregate classification (germline): Pathogenic (1 of 4 stars; one submission).

Allele frequency attached by ClinVar (database versions not stated): gnomAD exomes 0.00001.
gnomAD v4.1: 10 of 1,598,462 alleles (0.00063%); highest among the groups gnomAD compares: Non-Finnish European, 0.00085%; no homozygotes.

Submission:

GeneDx
Classification: Pathogenic. Last evaluated: 2018-08-17. Review status: criteria provided, single submitter. Criteria: GeneDx Variant Classification (06012015). Collection method: clinical testing. Allele origin: germline. Affected: yes.
Comment: The W267X pathogenic variant in the ALMS1 gene has been reported previously, sometimes using alternate nomenclature (W266X), in combination with another ALMS1 variant in an individual reported to have a ciliopathy and in another individual reported to have Alstrom syndrome (Consugar et al., 2015; Astuti et al., 2017). This variant is predicted to cause loss of normal protein function either through protein truncation or nonsense-mediated mRNA decay. The W267X variant is not observed in large population cohorts (Lek et al., 2016). We interpret W267X as a pathogenic variant.

NM_001378454.1(ALMS1):c.797G>A (p.Trp266Ter)

Gene: ALMS1 (ALMS1 centrosome and basal body associated protein; plus strand). Cytogenetic location: 2p13.1.
Variant type: single nucleotide variant.
Coding change: c.797G>A on transcript NM_001378454.1 (MANE Select); coding-DNA position 797, G replaced by A.
Protein change: p.Trp266Ter; replaces tryptophan 266 with a stop codon.
Molecular consequence: nonsense.
Genome position (GRCh38, 1-based): chr2:73,424,462, G>A. VCF-style: chr2-73424462-G-A. GRCh37 (hg19) VCF-style: chr2-73651590-G-A.
Other names: c.800G>A, p.Trp267Ter (NM_015120.4); short protein forms W267*, W266*.
Identifiers: ClinVar variation 620305 (VCV000620305.1), dbSNP rs1558639105, ClinGen allele CA347260456.
Genomic context (GRCh38, chr2:73,424,462, plus strand): 5'-TTATTTATTTTTAACTATATATTTTCAGGGGAATTCCTGATAAGTCTGAAGATACTGAAT[G>A]GTCTTCTCGACCATCGGAAGTTAGTGAAGCTTTATTCCAGGCTACTGCAGAAGTAGCTTC-3'